The following is an entry in ClinVar:

NM_020987.5(ANK3):c.2516C>T (p.Thr839Met)

Gene: ANK3 (ankyrin 3; minus strand). Cytogenetic location: 10q21.2.
Variant type: single nucleotide variant.
Coding change: c.2516C>T on transcript NM_020987.5 (MANE Select); coding-DNA position 2516, C replaced by T.
Protein change: p.Thr839Met; replaces threonine 839 with methionine.
Molecular consequence: missense variant.
Genome position (GRCh38, 1-based): chr10:60,166,859, G>A on the plus strand (C>T on the coding strand, the complement: ANK3 is on the minus strand). VCF-style: chr10-60166859-G-A. GRCh37 (hg19) VCF-style: chr10-61926617-G-A.
Other names: c.2498C>T, p.Thr833Met (NM_001204403.2); c.2465C>T, p.Thr822Met (NM_001204404.2); c.2516C>T, p.Thr839Met (NM_001320874.2); short protein forms T833M, T839M, T822M.
Identifiers: ClinVar variation 434174 (VCV000434174.14), dbSNP rs202156367, ClinGen allele CA5512779.

ClinVar aggregate classification (germline): Uncertain significance. Review status: criteria provided, multiple submitters, no conflicts (2 of 4 stars). 3 submissions from 3 submitters: Uncertain significance (3). Last evaluated 2026-02-01.

Allele frequency attached by ClinVar (database versions not stated): gnomAD 0.00001 and 0.00003; TOPMed 0.00002; ESP Exome Variant Server 0.00008.
gnomAD v4.1: 20 of 1,613,732 alleles (0.0012%); highest among the groups gnomAD compares: East Asian, 0.0045%; no homozygotes.

Submissions (3):

CeGaT Center for Human Genetics Tuebingen
Classification: Uncertain significance. Last evaluated: 2026-02-01. Review status: criteria provided, single submitter. Criteria: CeGaT Center For Human Genetics Tuebingen Variant Classification Criteria Version 2. Collection method: clinical testing. Allele origin: germline. Affected: yes. Observed: 1 variant allele.

Labcorp Genetics (formerly Invitae), Labcorp
Classification: Uncertain significance. Last evaluated: 2024-01-22. Review status: criteria provided, single submitter. Criteria: Invitae Variant Classification Sherloc (09022015). Collection method: clinical testing. Allele origin: germline.
Comment: This sequence change replaces threonine, which is neutral and polar, with methionine, which is neutral and non-polar, at codon 839 of the ANK3 protein (p.Thr839Met). This variant is present in population databases (rs202156367, gnomAD 0.007%). This variant has not been reported in the literature in individuals affected with ANK3-related conditions. ClinVar contains an entry for this variant (Variation ID: 434174). Advanced modeling of protein sequence and biophysical properties (such as structural, functional, and spatial information, amino acid conservation, physicochemical variation, residue mobility, and thermodynamic stability) performed at Invitae indicates that this missense variant is not expected to disrupt ANK3 protein function with a negative predictive value of 80%. In summary, the available evidence is currently insufficient to determine the role of this variant in disease. Therefore, it has been classified as a Variant of Uncertain Significance.

Genetic Services Laboratory, University of Chicago
Classification: Uncertain significance. Last evaluated: 2016-03-22. Review status: criteria provided, single submitter. Criteria: ACMG Guidelines, 2015. Collection method: clinical testing. Allele origin: germline. Affected: no.